The following is an entry in ClinVar:

ClinVar aggregate classification (germline): Uncertain significance (1 of 4 stars; one submission).

Conditions:
Nemaline myopathy 6 (NEM6). Also called: Nemaline myopathy 6, autosomal dominant. Identifiers: Orphanet 171439, MedGen C1836472, MONDO:0012237, OMIM 609273.

Allele frequency attached by ClinVar (database versions not stated): TOPMed 0.00002.

Submission:

Labcorp Genetics (formerly Invitae), Labcorp
Classification: Uncertain significance for Nemaline myopathy 6. Last evaluated: 2019-02-25. Review status: criteria provided, single submitter. Criteria: Invitae Variant Classification Sherloc (09022015). Collection method: clinical testing. Allele origin: germline.
Comment: In summary, the available evidence is currently insufficient to determine the role of this variant in disease. Therefore, it has been classified as a Variant of Uncertain Significance. Algorithms developed to predict the effect of missense changes on protein structure and function output the following: SIFT: "Tolerated"; PolyPhen-2: "Benign"; Align-GVGD: "Class C0". The phenylalanine amino acid residue is found in multiple mammalian species, suggesting that this missense change does not adversely affect protein function. These predictions have not been confirmed by published functional studies and their clinical significance is uncertain. This variant has not been reported in the literature in individuals with KBTBD13-related disease. While this variant is not present in population databases, the frequency information is unreliable, as metrics indicate poor data quality at this position in the ExAC database. This sequence change replaces tyrosine with phenylalanine at codon 157 of the KBTBD13 protein (p.Tyr157Phe). The tyrosine residue is moderately conserved and there is a small physicochemical difference between tyrosine and phenylalanine.

NM_001101362.3(KBTBD13):c.470A>T (p.Tyr157Phe)

Gene: KBTBD13 (kelch repeat and BTB domain containing 13; plus strand). Cytogenetic location: 15q22.31.
Variant type: single nucleotide variant.
Coding change: c.470A>T on transcript NM_001101362.3 (MANE Select); coding-DNA position 470, A replaced by T.
Protein change: p.Tyr157Phe; replaces tyrosine 157 with phenylalanine.
Molecular consequence: missense variant.
Genome position (GRCh38, 1-based): chr15:65,077,285, A>T. VCF-style: chr15-65077285-A-T. GRCh37 (hg19) VCF-style: chr15-65369623-A-T.
Other names: short protein forms Y157F.
Identifiers: ClinVar variation 649527 (VCV000649527.10), dbSNP rs1481116487, ClinGen allele CA392860947.